The following is an entry in ClinVar:

NM_030912.3(TRIM8):c.1499A>C (p.Gln500Pro)

Gene: TRIM8 (tripartite motif containing 8; plus strand). Cytogenetic location: 10q24.32.
Variant type: single nucleotide variant.
Coding change: c.1499A>C on transcript NM_030912.3 (MANE Select); coding-DNA position 1499, A replaced by C.
Protein change: p.Gln500Pro; replaces glutamine 500 with proline.
Molecular consequence: missense variant. On other transcripts: non-coding transcript variant (1).
Genome position (GRCh38, 1-based): chr10:102,657,197, A>C. VCF-style: chr10-102657197-A-C. GRCh37 (hg19) VCF-style: chr10-104416954-A-C.
Other names: c.1403A>C, p.Gln468Pro (NM_001345950.1); short protein forms Q468P, Q500P.
Identifiers: ClinVar variation 2108407 (VCV002108407.4), dbSNP rs2492916389, ClinGen allele CA377932818.
Genomic context (GRCh38, chr10:102,657,197, plus strand): 5'-ACCATGGCGGCCACCAGCCCTACCCCCGCTCCGGCCACTTTCCCTGGACAGTGCCCTCGC[A>C]GGAGTACTCACACCCGCTCCCGCCCACACCCTCCGTCCCCCAGTCCCTTCCCAGCCTGGC-3'
Protein context (NP_112174.2, residues 490-510): SGHFPWTVPS[Gln500Pro]EYSHPLPPTP

ClinVar aggregate classification (germline): Uncertain significance (1 of 4 stars; one submission).

Submission:

Labcorp Genetics (formerly Invitae), Labcorp
Classification: Uncertain significance. Last evaluated: 2024-11-11. Review status: criteria provided, single submitter. Criteria: Invitae Variant Classification Sherloc (09022015). Collection method: clinical testing. Allele origin: germline.
Comment: This sequence change replaces glutamine, which is neutral and polar, with proline, which is neutral and non-polar, at codon 500 of the TRIM8 protein (p.Gln500Pro). This variant is not present in population databases (gnomAD no frequency). This variant has not been reported in the literature in individuals affected with TRIM8-related conditions. ClinVar contains an entry for this variant (Variation ID: 2108407). An algorithm developed to predict the effect of missense changes on protein structure and function (PolyPhen-2) suggests that this variant is likely to be disruptive. In summary, the available evidence is currently insufficient to determine the role of this variant in disease. Therefore, it has been classified as a Variant of Uncertain Significance.